The following is an entry in ClinVar:

NM_000535.7(PMS2):c.2341C>T (p.Gln781Ter)

Gene: PMS2 (PMS1 homolog 2, mismatch repair system component; minus strand). Cytogenetic location: 7p22.1.
Variant type: single nucleotide variant.
Coding change: c.2341C>T on transcript NM_000535.7 (MANE Select); coding-DNA position 2341, C replaced by T.
Protein change: p.Gln781Ter; replaces glutamine 781 with a stop codon.
Molecular consequence: nonsense. On other transcripts: non-coding transcript variant (1).
Genome position (GRCh38, 1-based): chr7:5,977,692, G>A on the plus strand (C>T on the coding strand, the complement: PMS2 is on the minus strand). VCF-style: chr7-5977692-G-A. GRCh37 (hg19) VCF-style: chr7-6017323-G-A.
Other names: c.1936C>T, p.Gln646Ter (NM_001322003.2, NM_001322004.2, NM_001322005.2); c.2185C>T, p.Gln729Ter (NM_001322006.2); c.2023C>T, p.Gln675Ter (NM_001322007.2, NM_001322008.2); c.1969C>T, p.Gln657Ter (NM_001322009.2); c.1780C>T, p.Gln594Ter (NM_001322010.2); c.1408C>T, p.Gln470Ter (NM_001322011.2, NM_001322012.2); c.1768C>T, p.Gln590Ter (NM_001322013.2); c.2374C>T, p.Gln792Ter (NM_001322014.2); and 1 more; short protein forms Q594*, Q590*, Q675*, Q729*, Q781*, Q792*, Q470*, Q646*.
Identifiers: ClinVar variation 1429568 (VCV001429568.10), dbSNP rs587780054, ClinGen allele CA366735922.

ClinVar aggregate classification (germline): Pathogenic. Review status: criteria provided, multiple submitters, no conflicts (2 of 4 stars). 4 submissions from 4 submitters: Pathogenic (4). Last evaluated 2025-03-24.

Conditions:
Hereditary nonpolyposis colorectal neoplasms. Identifiers: MedGen C0009405, MeSH D003123.
Hereditary cancer-predisposing syndrome. Also called: Tumor predisposition; Hereditary neoplastic syndrome; Neoplastic Syndromes, Hereditary; Hereditary Cancer Syndrome. Identifiers: Orphanet 140162, MedGen C0027672, MeSH D009386, MONDO:0015356.
Lynch syndrome 4 (LYNCH4). Also called: Hereditary non-polyposis colorectal cancer, type 4; Colorectal cancer, hereditary nonpolyposis, type 4. Identifiers: Orphanet 144, MedGen C1838333, MONDO:0013699, OMIM 614337. Disease mechanism: loss of function.

Submissions (4):

Molecular Diagnostics Laboratory, Catalan Institute of Oncology
Classification: Pathogenic for Hereditary cancer-predisposing syndrome. Last evaluated: 2025-03-24. Review status: criteria provided, single submitter. Criteria: ClinGen CRC ACMG Specifications PMS2 V1.0.0. Collection method: clinical testing. Allele origin: germline.
Comment: PVS1, PM2_Supporting, PP4 c.2341C>T, located in exon 14 of the PMS2 gene, is a nonsense variant expected to result in loss of function by premature protein truncation and nonsense-mediated mRNA decay, p.(Gln781*)(PVS1). It is not present in the population database gnomAD v4.1.0 (PM2_Supporting). Computational tools for this variant displayed indeterminate scores regarding the impact on splicing. It has been identified in a patient affected with colorectal cancer showing loss of PMS2 protein expression (PMID: 31992580) (PP4). To our knowledge, functional studies have not been reported for this variant. In addition, the variant was also identified in the ClinVar database (3x pathogenic) but has not been identified neither in LOVD nor InSiGHT databases. Based on currently available information, the variant c.2341C>T is classified as a pathogenic variant according to ClinGen-CRC_ACMG_Specifications_PMS2_v1.0.0.

Myriad Genetics, Inc.
Classification: Pathogenic for Lynch syndrome 4. Last evaluated: 2023-09-22. Review status: criteria provided, single submitter. Criteria: Myriad Autosomal Dominant, Autosomal Recessive and X-Linked Classification Criteria (2023). Collection method: clinical testing. Allele origin: unknown.
Comment: This variant is considered pathogenic. This variant creates a termination codon and is predicted to result in premature protein truncation.

Labcorp Genetics (formerly Invitae), Labcorp
Classification: Pathogenic for Hereditary nonpolyposis colorectal neoplasms. Last evaluated: 2022-10-04. Review status: criteria provided, single submitter. Criteria: Invitae Variant Classification Sherloc (09022015). Collection method: clinical testing. Allele origin: germline.
Comment: This sequence change creates a premature translational stop signal (p.Gln781*) in the PMS2 gene. It is expected to result in an absent or disrupted protein product. Loss-of-function variants in PMS2 are known to be pathogenic (PMID: 21376568, 24362816). The frequency data for this variant in the population databases (gnomAD) is considered unreliable due to the presence of homologous sequence, such as pseudogenes or paralogs, in the genome. This premature translational stop signal has been observed in individual(s) with Lynch syndrome (PMID: 31992580). ClinVar contains an entry for this variant (Variation ID: 1429568). For these reasons, this variant has been classified as Pathogenic.

Ambry Genetics
Classification: Pathogenic for Hereditary cancer-predisposing syndrome. Last evaluated: 2020-01-17. Review status: criteria provided, single submitter. Criteria: Ambry Variant Classification Scheme 2023. Collection method: clinical testing. Allele origin: germline.
Comment: The p.Q781* pathogenic mutation (also known as c.2341C>T), located in coding exon 14 of the PMS2 gene, results from a C to T substitution at nucleotide position 2341. This changes the amino acid from a glutamine to a stop codon within coding exon 14. This alteration is expected to result in loss of function by premature protein truncation or nonsense-mediated mRNA decay. As such, this alteration is interpreted as a disease-causing mutation.

Literature cited by the submitters: PubMed 21376568 (cited by Labcorp Genetics (formerly Invitae), Labcorp); PubMed 24362816 (cited by Labcorp Genetics (formerly Invitae), Labcorp); PubMed 31992580 (cited by Labcorp Genetics (formerly Invitae), Labcorp).